The following is an entry in ClinVar:

NM_000270.4(PNP):c.466G>A (p.Gly156Arg)

Gene: PNP (purine nucleoside phosphorylase; plus strand). Cytogenetic location: 14q11.2.
Variant type: single nucleotide variant.
Coding change: c.466G>A on transcript NM_000270.4 (MANE Select); coding-DNA position 466, G replaced by A.
Protein change: p.Gly156Arg; replaces glycine 156 with arginine.
Molecular consequence: missense variant.
Genome position (GRCh38, 1-based): chr14:20,475,066, G>A. VCF-style: chr14-20475066-G-A. GRCh37 (hg19) VCF-style: chr14-20943225-G-A.
Other names: short protein forms G156R.
Identifiers: ClinVar variation 529207 (VCV000529207.8), dbSNP rs1555333844, ClinGen allele CA389145467.

ClinVar aggregate classification (germline): Uncertain significance (1 of 4 stars; one submission).

Conditions:
Purine-nucleoside phosphorylase deficiency. Also called: NUCLEOSIDE PHOSPHORYLASE DEFICIENCY; Immunodeficiency due to purine nucleoside phosphorylase deficiency. Identifiers: Orphanet 760, MedGen C0268125, MONDO:0013171, OMIM 613179.

Submission:

Labcorp Genetics (formerly Invitae), Labcorp
Classification: Uncertain significance for Purine-nucleoside phosphorylase deficiency. Last evaluated: 2022-02-24. Review status: criteria provided, single submitter. Criteria: Invitae Variant Classification Sherloc (09022015). Collection method: clinical testing. Allele origin: germline.
Comment: This variant is not present in population databases (gnomAD no frequency). This sequence change replaces glycine, which is neutral and non-polar, with arginine, which is basic and polar, at codon 156 of the PNP protein (p.Gly156Arg). This variant has not been reported in the literature in individuals affected with PNP-related conditions. In summary, the available evidence is currently insufficient to determine the role of this variant in disease. Therefore, it has been classified as a Variant of Uncertain Significance. Algorithms developed to predict the effect of sequence changes on RNA splicing suggest that this variant may create or strengthen a splice site. Algorithms developed to predict the effect of missense changes on protein structure and function are either unavailable or do not agree on the potential impact of this missense change (SIFT: "Deleterious"; PolyPhen-2: "Probably Damaging"; Align-GVGD: "Class C15"). ClinVar contains an entry for this variant (Variation ID: 529207).